The following is an entry in ClinVar:

NM_001378609.3(OTOGL):c.2365_2372del (p.Glu788_Asp789insTer)

Gene: OTOGL (otogelin like; plus strand). Cytogenetic location: 12q21.31.
Variant type: Deletion.
Coding change: c.2365_2372del on transcript NM_001378609.3 (MANE Select); coding-DNA positions 2365 to 2372, 8 bases deleted (GACACTCT; older notation c.2365_2372delGACACTCT).
Protein change: p.Glu788_Asp789insTer.
Molecular consequence: nonsense.
Genome position (GRCh38, 1-based): chr12:80,266,591-80,266,598, GACACTCT deleted. VCF-style (leftmost placement, unchanged base first): chr12-80266590-AGACACTCT-A. GRCh37 (hg19) VCF-style: chr12-80660370-AGACACTCT-A.
Other names: c.2365_2372del, p.Glu788_Asp789insTer (NM_001368062.3, NM_001378610.3, NM_173591.7).
Identifiers: ClinVar variation 3075908 (VCV003075908.1), dbSNP rs2541054175, ClinGen allele CA2825002096.

ClinVar aggregate classification (germline): Likely pathogenic (1 of 4 stars; one submission).

Conditions:
Rare genetic deafness. Identifiers: Orphanet 96210, MedGen C5680250.

Submission:

Laboratory for Molecular Medicine, Mass General Brigham Personalized Medicine
Classification: Likely pathogenic for Rare genetic deafness. Last evaluated: 2022-11-03. Review status: criteria provided, single submitter. Criteria: ACMG Guidelines, 2015. Collection method: clinical testing. Allele origin: germline.
Comment: The p.Asp780X (2338_2345delGACACTCT) variant in OTOGL has not been reported in individuals with nonsyndromic hearing loss and was absent from large population studies. This variant leads to a premature termination codon at position 780, which is predicted to lead to a truncated or absent protein. Loss of function of the OTOGL gene is an established disease mechanism in autosomal recessive nonsyndromic hearing loss. In summary, although additional studies are required to fully establish its clinical significance, this variant meets criteria to be classified as likely pathogenic for autosomal recessive nonsyndromic hearing loss. ACMG/AMP Criteria applied: PM2_supporting, PVS1.